The following is an entry in ClinVar:

ClinVar aggregate classification (germline): Likely pathogenic (1 of 4 stars; one submission).

Conditions:
Ehlers-Danlos syndrome, classic type, 1 (EDSCL1). Also called: EHLERS-DANLOS SYNDROME, GRAVIS TYPE; EHLERS-DANLOS SYNDROME, SEVERE CLASSIC TYPE; Ehlers-Danlos syndrome, type 1; EDS I; Ehlers-Danlos Syndrome, Classic Type, COL5A1-Related. Identifiers: MedGen C0268335, MONDO:0019567, OMIM 130000.
Osteogenesis imperfecta type I (OI1). Also called: OI, TYPE I; OSTEOGENESIS IMPERFECTA TARDA; OSTEOGENESIS IMPERFECTA WITH BLUE SCLERAE; Osteogenesis imperfecta type 1; Lobstein's Disease; Lobstein disease. Identifiers: Orphanet 216796, Orphanet 666, MedGen C0023931, MONDO:0008146, OMIM 166200. Disease mechanism: loss of function.

Submission:

Labcorp Genetics (formerly Invitae), Labcorp
Classification: Likely pathogenic for Osteogenesis imperfecta type I; Ehlers-Danlos syndrome, classic type, 1. Last evaluated: 2025-05-05. Review status: criteria provided, single submitter. Criteria: Invitae Variant Classification Sherloc (09022015). Collection method: clinical testing. Allele origin: germline.
Comment: This sequence change replaces glycine, which is neutral and non-polar, with cysteine, which is neutral and slightly polar, at codon 703 of the COL1A2 protein (p.Gly703Cys). This variant is not present in population databases (gnomAD no frequency). This variant has not been reported in the literature in individuals affected with COL1A2-related conditions. ClinVar contains an entry for this variant (Variation ID: 2025252). Invitae Evidence Modeling of protein sequence and biophysical properties (such as structural, functional, and spatial information, amino acid conservation, physicochemical variation, residue mobility, and thermodynamic stability) indicates that this missense variant is expected to disrupt COL1A2 protein function with a positive predictive value of 95%. This variant disrupts the triple helix domain of COL1A2. Glycine residues within the Gly-Xaa-Yaa repeats of the triple helix domain are required for the structure and stability of fibrillar collagens (PMID: 7695699, 8218237, 19344236). In COL1A2, variants affecting these glycine residues are significantly enriched in individuals with disease (PMID: 9016532, 17078022) compared to the general population (ExAC). In summary, the currently available evidence indicates that the variant is pathogenic, but additional data are needed to prove that conclusively. Therefore, this variant has been classified as Likely Pathogenic.

Literature cited by the submitters: PubMed 7695699; PubMed 8218237; PubMed 19344236; PubMed 9016532; PubMed 17078022.

NM_000089.4(COL1A2):c.2107G>T (p.Gly703Cys)

Gene: COL1A2 (collagen type I alpha 2 chain; plus strand). Cytogenetic location: 7q21.3.
Variant type: single nucleotide variant.
Coding change: c.2107G>T on transcript NM_000089.4 (MANE Select); coding-DNA position 2107, G replaced by T.
Protein change: p.Gly703Cys; replaces glycine 703 with cysteine.
Molecular consequence: missense variant.
Genome position (GRCh38, 1-based): chr7:94,420,260, G>T. VCF-style: chr7-94420260-G-T. GRCh37 (hg19) VCF-style: chr7-94049572-G-T.
Other names: short protein forms G703C.
Identifiers: ClinVar variation 2025252 (VCV002025252.4), dbSNP rs1562905085, ClinGen allele CA368223257.